The following is an entry in ClinVar:

ClinVar aggregate classification (germline): Uncertain significance. Review status: criteria provided, multiple submitters, no conflicts (2 of 4 stars). 2 submissions from 2 submitters: Uncertain significance (2). Last evaluated 2021-07-12.

Conditions:
Inborn genetic diseases. Identifiers: MedGen C0950123, MeSH D030342.

Allele frequency attached by ClinVar (database versions not stated): gnomAD exomes below 0.00001.
gnomAD v4.1: 1 of 1,613,210 alleles (0.000062%); highest among the groups gnomAD compares: Non-Finnish European, 0.000085%; no homozygotes.

Submissions (2):

Greenwood Genetic Center Diagnostic Laboratories, Greenwood Genetic Center
Classification: Uncertain significance. Last evaluated: 2021-07-12. Review status: criteria provided, single submitter. Criteria: ACMG Guidelines, 2015. Collection method: clinical testing. Allele origin: germline. Affected: yes.
Comment: PM2, PP3

Ambry Genetics
Classification: Uncertain significance for Inborn genetic diseases. Last evaluated: 2016-07-01. Review status: criteria provided, single submitter. Criteria: Ambry Variant Classification Scheme 2023. Collection method: clinical testing. Allele origin: germline.
Comment: The p.P539T variant (also known as c.1615C>A), located in coding exon 1 of the RAI1 gene, results from a C to A substitution at nucleotide position 1615. The proline at codon 539 is replaced by threonine, an amino acid with highly similar properties. This variant was not reported in population based cohorts in the following databases: Database of Single Nucleotide Polymorphisms (dbSNP), NHLBI Exome Sequencing Project (ESP), and 1000 Genomes Project. In the ESP, this variant was not observed in 6500 samples (13000 alleles) with coverage at this position. This amino acid position is highly conserved in available vertebrate species. In addition, the in silico prediction for this alteration is inconclusive. Since supporting evidence is limited at this time, the clinical significance of this alteration remains unclear.

NM_030665.4(RAI1):c.1615C>A (p.Pro539Thr)

Gene: RAI1 (retinoic acid induced 1; plus strand). Cytogenetic location: 17p11.2.
Variant type: single nucleotide variant.
Coding change: c.1615C>A on transcript NM_030665.4 (MANE Select); coding-DNA position 1615, C replaced by A.
Protein change: p.Pro539Thr; replaces proline 539 with threonine.
Molecular consequence: missense variant.
Genome position (GRCh38, 1-based): chr17:17,794,563, C>A. VCF-style: chr17-17794563-C-A. GRCh37 (hg19) VCF-style: chr17-17697877-C-A.
Other names: short protein forms P539T.
Identifiers: ClinVar variation 587997 (VCV000587997.9), dbSNP rs1567918350, ClinGen allele CA398548817.